The following is an entry in ClinVar:

ClinVar aggregate classification (germline): Conflicting classifications of pathogenicity. Review status: criteria provided, conflicting classifications (1 of 4 stars). 2 submissions from 2 submitters: Uncertain significance (1); Likely benign (1). Last evaluated 2021-06-21.

Conditions:
Cardiovascular phenotype. Identifiers: MedGen CN230736.

gnomAD v4.1: 2 of 1,613,516 alleles (0.00012%); highest among the groups gnomAD compares: Non-Finnish European, 0.00017%; no homozygotes.

Submissions (2):

Blueprint Genetics
Classification: Likely benign. Last evaluated: 2021-06-21. Review status: criteria provided, single submitter. Criteria: ACMG Guidelines, 2015. Collection method: clinical testing. Allele origin: germline.

Ambry Genetics
Classification: Uncertain significance for Cardiovascular phenotype. Last evaluated: 2020-05-18. Review status: criteria provided, single submitter. Criteria: Ambry Variant Classification Scheme 2023. Collection method: clinical testing. Allele origin: germline.
Comment: The p.G14399A variant (also known as c.43196G>C), located in coding exon 153 of the TTN gene, results from a G to C substitution at nucleotide position 43196. The glycine at codon 14399 is replaced by alanine, an amino acid with similar properties. This amino acid position is highly conserved in available vertebrate species. In addition, the in silico prediction for this alteration is inconclusive. Since supporting evidence is limited at this time, the clinical significance of this alteration remains unclear.

NM_001267550.2(TTN):c.70391G>C (p.Gly23464Ala)

Genes: TTN (titin; minus strand), TTN-AS1 (TTN antisense RNA 1; plus strand), LOC126806422 (BRD4-independent group 4 enhancer GRCh37_chr2:179440205-179441404; plus strand). Cytogenetic location: 2q31.2.
Variant type: single nucleotide variant.
Coding change: c.70391G>C on transcript NM_001267550.2 (MANE Select); coding-DNA position 70391, G replaced by C.
Protein change: p.Gly23464Ala; replaces glycine 23464 with alanine.
Molecular consequence: missense variant.
Genome position (GRCh38, 1-based): chr2:178,575,741, C>G on the plus strand (G>C on the coding strand, the complement: TTN is on the minus strand). VCF-style: chr2-178575741-C-G. GRCh37 (hg19) VCF-style: chr2-179440468-C-G.
Other names: c.65468G>C, p.Gly21823Ala (NM_001256850.1); c.43196G>C, p.Gly14399Ala (NM_003319.4); c.62687G>C, p.Gly20896Ala (NM_133378.4); c.43571G>C, p.Gly14524Ala (NM_133432.3); c.43772G>C, p.Gly14591Ala (NM_133437.4); short protein forms G14591A, G20896A, G14399A, G21823A, G14524A, G23464A.
Identifiers: ClinVar variation 1739673 (VCV001739673.3), dbSNP rs549938348, ClinGen allele CA349663084.